The following is an entry in ClinVar:

ClinVar aggregate classification (germline): Benign/Likely benign. Review status: criteria provided, multiple submitters, no conflicts (2 of 4 stars). 3 submissions from 3 submitters: Benign (1); Likely benign (2). Last evaluated 2025-09-28.

Conditions:
Hereditary cancer-predisposing syndrome. Also called: Hereditary neoplastic syndrome; Tumor predisposition; Hereditary Cancer Syndrome; Neoplastic Syndromes, Hereditary. Identifiers: Orphanet 140162, MedGen C0027672, MeSH D009386, MONDO:0015356.
POLD1-related polyposis and colorectal cancer syndrome (CRCS10). Also called: Colorectal cancer, susceptibility to, 10; Colorectal cancer 10; COLORECTAL CANCER, SUSCEPTIBILITY TO, ON CHROMOSOME 19q. Identifiers: Orphanet 220460, MedGen C2675481, MONDO:0012953, OMIM 612591.

Allele frequency attached by ClinVar (database versions not stated): gnomAD below 0.00001 and 0.00001; TOPMed below 0.00001; gnomAD exomes 0.00001; ExAC 0.00003.
gnomAD v4.1: 16 of 1,599,264 alleles (0.001%); highest among the groups gnomAD compares: South Asian, 0.011%; no homozygotes.

Submissions (3):

Labcorp Genetics (formerly Invitae), Labcorp
Classification: Likely benign for POLD1-related polyposis and colorectal cancer syndrome. Last evaluated: 2025-09-28. Review status: criteria provided, single submitter. Criteria: Invitae Variant Classification Sherloc (09022015). Collection method: clinical testing. Allele origin: germline.

Myriad Genetics, Inc.
Classification: Benign for POLD1-related polyposis and colorectal cancer syndrome. Last evaluated: 2025-02-06. Review status: criteria provided, single submitter. Criteria: Myriad Autosomal Dominant, Autosomal Recessive and X-Linked Classification Criteria (2023). Collection method: clinical testing. Allele origin: unknown.
Comment: This variant is considered benign. This variant is a silent/synonymous amino acid change and it is not expected to impact splicing.

Ambry Genetics
Classification: Likely benign for Hereditary cancer-predisposing syndrome. Last evaluated: 2017-09-28. Review status: criteria provided, single submitter. Criteria: Ambry Variant Classification Scheme 2023. Collection method: clinical testing. Allele origin: germline.

NM_002691.4(POLD1):c.1440C>T (p.His480=)

Gene: POLD1 (DNA polymerase delta 1, catalytic subunit; plus strand). Cytogenetic location: 19q13.33.
Variant type: single nucleotide variant.
Coding change: c.1440C>T on transcript NM_002691.4 (MANE Select); coding-DNA position 1440, C replaced by T.
Protein change: p.His480=; no amino-acid change (histidine 480 retained).
Molecular consequence: synonymous variant. On other transcripts: non-coding transcript variant (1).
Genome position (GRCh38, 1-based): chr19:50,406,463, C>T. VCF-style: chr19-50406463-C-T. GRCh37 (hg19) VCF-style: chr19-50909720-C-T.
Other names: c.1440C>T, p.His480= (NM_001256849.1, NM_001308632.1).
Identifiers: ClinVar variation 702415 (VCV000702415.14), dbSNP rs751922673, ClinGen allele CA9596141.